The following is an entry in ClinVar:

ClinVar aggregate classification (germline): Uncertain significance (1 of 4 stars; one submission).

Conditions:
Inborn genetic diseases. Identifiers: MedGen C0950123, MeSH D030342.

Submission:

Ambry Genetics
Classification: Uncertain significance for Inborn genetic diseases. Last evaluated: 2026-04-16. Review status: criteria provided, single submitter. Criteria: Ambry Variant Classification Scheme 2023. Collection method: clinical testing. Allele origin: germline.
Comment: The p.S55T variant (also known as c.163T>A), located in coding exon 2 of the SBDS gene, results from a T to A substitution at nucleotide position 163. The serine at codon 55 is replaced by threonine, an amino acid with similar properties. This amino acid position is conserved. In addition, the in silico prediction for this alteration is inconclusive. Based on the available evidence, the clinical significance of this variant remains unclear.

NM_016038.4(SBDS):c.163T>A (p.Ser55Thr)

Gene: SBDS (SBDS ribosome maturation factor; minus strand). Cytogenetic location: 7q11.21.
Variant type: single nucleotide variant.
Coding change: c.163T>A on transcript NM_016038.4 (MANE Select); coding-DNA position 163, T replaced by A.
Protein change: p.Ser55Thr; replaces serine 55 with threonine.
Molecular consequence: missense variant.
Genome position (GRCh38, 1-based): chr7:66,994,307, A>T on the plus strand (T>A on the coding strand, the complement: SBDS is on the minus strand). VCF-style: chr7-66994307-A-T. GRCh37 (hg19) VCF-style: chr7-66459294-A-T.
Other names: short protein forms S55T.
Identifiers: ClinVar variation 4864054 (VCV004864054.1).
Genomic context (GRCh38, chr7:66,994,307, plus strand): 5'-ACGCACTGATGAGATCTTCCTTTTTGGCAACCTGACCTTTAGAAACATTTACAAACACTG[A>T]GTGGGTCTGCAGAACTTCATCGAGGTCTTTTTCCCTTGTGAGGGCAGGAGAGAAAGTCCT-3'
Protein context (NP_057122.2, residues 45-65): KDLDEVLQTH[Ser55Thr]VFVNVSKGQV